The following is an entry in ClinVar:

ClinVar aggregate classification (germline): Uncertain significance (1 of 4 stars; one submission).

Conditions:
Dilated cardiomyopathy 1O (CMD1O). Also called: CARDIOMYOPATHY, DILATED, WITH VENTRICULAR TACHYCARDIA. Identifiers: Orphanet 154, MedGen C1837839, MONDO:0012062, OMIM 608569.

Submission:

Labcorp Genetics (formerly Invitae), Labcorp
Classification: Uncertain significance for Dilated cardiomyopathy 1O. Last evaluated: 2023-07-29. Review status: criteria provided, single submitter. Criteria: Invitae Variant Classification Sherloc (09022015). Collection method: clinical testing. Allele origin: germline.
Comment: This sequence change replaces aspartic acid, which is acidic and polar, with glycine, which is neutral and non-polar, at codon 1165 of the ABCC9 protein (p.Asp1165Gly). This variant is not present in population databases (gnomAD no frequency). This variant has not been reported in the literature in individuals affected with ABCC9-related conditions. Advanced modeling of protein sequence and biophysical properties (such as structural, functional, and spatial information, amino acid conservation, physicochemical variation, residue mobility, and thermodynamic stability) performed at Invitae indicates that this missense variant is expected to disrupt ABCC9 protein function. In summary, the available evidence is currently insufficient to determine the role of this variant in disease. Therefore, it has been classified as a Variant of Uncertain Significance.

NM_020297.4(ABCC9):c.3494A>G (p.Asp1165Gly)

Gene: ABCC9 (ATP binding cassette subfamily C member 9; minus strand). Cytogenetic location: 12p12.1.
Variant type: single nucleotide variant.
Coding change: c.3494A>G on transcript NM_020297.4 (MANE Select); coding-DNA position 3494, A replaced by G.
Protein change: p.Asp1165Gly; replaces aspartic acid 1165 with glycine.
Molecular consequence: missense variant.
Genome position (GRCh38, 1-based): chr12:21,838,150, T>C on the plus strand (A>G on the coding strand, the complement: ABCC9 is on the minus strand). VCF-style: chr12-21838150-T-C. GRCh37 (hg19) VCF-style: chr12-21991084-T-C.
Other names: c.3494A>G, p.Asp1165Gly (NM_001377273.1, NM_005691.4); c.2627A>G, p.Asp876Gly (NM_001377274.1); short protein forms D1165G, D876G.
Identifiers: ClinVar variation 2748073 (VCV002748073.3), dbSNP rs2541026138, ClinGen allele CA384140674.